The following is an entry in ClinVar:

ClinVar aggregate classification (germline): Conflicting classifications of pathogenicity. Review status: criteria provided, conflicting classifications (1 of 4 stars). 3 submissions from 3 submitters: Uncertain significance (1); Likely benign (1). 1 of the submissions does not count toward it. Last evaluated 2025-03-18.

Conditions:
Inborn genetic diseases. Identifiers: MedGen C0950123, MeSH D030342.
GDF5-related disorder. Also called: GDF5 (CDMP1)-related disorder; GDF5-related condition. Identifiers: MedGen CN169990.

Allele frequency attached by ClinVar (database versions not stated): ESP Exome Variant Server 0.00015; TOPMed 0.00008; gnomAD 0.00015; ExAC 0.00016; 1000 Genomes Project 0.00020; gnomAD exomes 0.00013; 1000 Genomes Project 30x 0.00016.
gnomAD v4.1: 213 of 1,612,300 alleles (0.013%); highest among the groups gnomAD compares: Non-Finnish European, 0.011%; 1 homozygote.

Submissions (3):

Ambry Genetics
Classification: Likely benign for Inborn genetic diseases. Last evaluated: 2025-03-18. Review status: criteria provided, single submitter. Criteria: Ambry Variant Classification Scheme 2023. Collection method: clinical testing. Allele origin: germline.

Labcorp Genetics (formerly Invitae), Labcorp
Classification: Uncertain significance. Last evaluated: 2025-03-17. Review status: criteria provided, single submitter. Criteria: Invitae Variant Classification Sherloc (09022015). Collection method: clinical testing. Allele origin: germline.
Comment: This sequence change replaces valine, which is neutral and non-polar, with isoleucine, which is neutral and non-polar, at codon 57 of the GDF5 protein (p.Val57Ile). This variant is present in population databases (rs200445104, gnomAD 0.09%). This variant has not been reported in the literature in individuals affected with GDF5-related conditions. ClinVar contains an entry for this variant (Variation ID: 2882631). An algorithm developed to predict the effect of missense changes on protein structure and function outputs the following: PolyPhen-2: "Benign". The isoleucine amino acid residue is found in multiple mammalian species, which suggests that this missense change does not adversely affect protein function. In summary, the available evidence is currently insufficient to determine the role of this variant in disease. Therefore, it has been classified as a Variant of Uncertain Significance.

PreventionGenetics, part of Exact Sciences
Classification: Uncertain significance for GDF5-related condition. Last evaluated: 2024-03-19. Review status: no assertion criteria provided. Collection method: clinical testing. Allele origin: germline. Not counted in ClinVar's aggregate classification.
Comment: The GDF5 c.169G>A variant is predicted to result in the amino acid substitution p.Val57Ile. To our knowledge, this variant has not been reported in the literature. This variant is reported in 0.10% of alleles in individuals of European (Finnish) descent in gnomAD. Although we suspect that this variant may be benign, at this time, the clinical significance of this variant is uncertain due to the absence of conclusive functional and genetic evidence.

NM_000557.5(GDF5):c.169G>A (p.Val57Ile)

Gene: GDF5 (growth differentiation factor 5; minus strand). Cytogenetic location: 20q11.22.
Variant type: single nucleotide variant.
Coding change: c.169G>A on transcript NM_000557.5 (MANE Select); coding-DNA position 169, G replaced by A.
Protein change: p.Val57Ile; replaces valine 57 with isoleucine.
Molecular consequence: missense variant.
Genome position (GRCh38, 1-based): chr20:35,437,760, C>T on the plus strand (G>A on the coding strand, the complement: GDF5 is on the minus strand). VCF-style: chr20-35437760-C-T. GRCh37 (hg19) VCF-style: chr20-34025540-C-T.
Other names: c.169G>A (NM_000557.4, NM_000557.2); c.169G>A, p.Val57Ile (NM_001319138.2); short protein forms V57I.
Identifiers: ClinVar variation 2882631 (VCV002882631.5), dbSNP rs200445104, ClinGen allele CA9832411.